The following is an entry in ClinVar:

ClinVar aggregate classification (germline): Benign (1 of 4 stars; one submission).

Allele frequency attached by ClinVar (database versions not stated): TOPMed 0.11247; 1000 Genomes Project 0.11522; 1000 Genomes Project 30x 0.11665; gnomAD 0.11704 and 0.11719.
gnomAD v4.1: 17,749 of 152,002 alleles (12%); highest among the groups gnomAD compares: Admixed American, 16%; 1,100 homozygotes.

Submission:

GeneDx
Classification: Benign. Last evaluated: 2018-06-19. Review status: criteria provided, single submitter. Criteria: GeneDx Variant Classification (06012015). Collection method: clinical testing. Allele origin: germline. Affected: yes.
Comment: This variant is considered likely benign or benign based on one or more of the following criteria: it is a conservative change, it occurs at a poorly conserved position in the protein, it is predicted to be benign by multiple in silico algorithms, and/or has population frequency not consistent with disease.

NM_001384732.1(CPLANE1):c.2291+169C>T

Gene: CPLANE1 (ciliogenesis and planar polarity effector complex subunit 1; minus strand). Cytogenetic location: 5p13.2.
Variant type: single nucleotide variant.
Coding change: c.2291+169C>T on transcript NM_001384732.1 (MANE Select); 169 bases into the intron after coding-DNA position 2291, C replaced by T.
Molecular consequence: intron variant.
Genome position (GRCh38, 1-based): chr5:37,226,135, G>A on the plus strand (C>T on the coding strand, the complement: CPLANE1 is on the minus strand). VCF-style: chr5-37226135-G-A. GRCh37 (hg19) VCF-style: chr5-37226237-G-A.
Other names: c.2291+169C>T (NM_023073.4).
Identifiers: ClinVar variation 680149 (VCV000680149.1), dbSNP rs12515522, ClinGen allele CA117057148.
Genomic context (GRCh38, chr5:37,226,135, plus strand): 5'-ATAAAATCTATAATGCTGAGTGCTAACAGATAAAAGATTTCTTTCTGGGGTGATAAAAAC[G>A]TTCTGGAATTAGTGCTAATAGTTTCACAACCTTATAAATATACTAACAAACACTGAATAG-3'